The following is an entry in ClinVar:

ClinVar aggregate classification (germline): Uncertain significance. Review status: criteria provided, multiple submitters, no conflicts (2 of 4 stars). 2 submissions from 2 submitters: Uncertain significance (2). Last evaluated 2025-06-12.

Conditions:
Imerslund-Grasbeck syndrome. Also called: PERNICIOUS ANEMIA, JUVENILE, DUE TO SELECTIVE INTESTINAL MALABSORPTION OF VITAMIN B12, WITH PROTEINURIA; Imerslund-Gräsbeck syndrome; Megaloblastic anemia due to inborn errors of metabolism; ENTEROCYTE COBALAMIN MALABSORPTION; ENTEROCYTE INTRINSIC FACTOR RECEPTOR, DEFECT OF. Identifiers: Orphanet 35858, MedGen C4551825, MONDO:0009853.
Imerslund-Grasbeck syndrome type 1 (IGS1). Also called: MEGALOBLASTIC ANEMIA, 1; Imerslund-Gräsbeck syndrome 1; Megaloblastic anemia 1, Finnish type. Identifiers: MedGen C4016819, MONDO:0100156, OMIM 261100.
Proteinuria, chronic benign. Identifiers: MedGen C5394384, MONDO:0030042, OMIM 618884.

Allele frequency attached by ClinVar (database versions not stated): ExAC 0.00002; gnomAD exomes 0.00004; TOPMed 0.00002.
gnomAD v4.1: 15 of 1,614,100 alleles (0.00093%); highest among the groups gnomAD compares: Admixed American, 0.017%; no homozygotes.

Submissions (2):

Labcorp Genetics (formerly Invitae), Labcorp
Classification: Uncertain significance for Imerslund-Grasbeck syndrome. Last evaluated: 2025-06-12. Review status: criteria provided, single submitter. Criteria: Invitae Variant Classification Sherloc (09022015). Collection method: clinical testing. Allele origin: germline.
Comment: This sequence change replaces cysteine, which is neutral and slightly polar, with tryptophan, which is neutral and slightly polar, at codon 3185 of the CUBN protein (p.Cys3185Trp). This variant is present in population databases (rs746114034, gnomAD 0.02%). This missense change has been observed in individual(s) with CUBN-related conditions (PMID: 34610128). ClinVar contains an entry for this variant (Variation ID: 580610). Invitae Evidence Modeling of protein sequence and biophysical properties (such as structural, functional, and spatial information, amino acid conservation, physicochemical variation, residue mobility, and thermodynamic stability) indicates that this missense variant is expected to disrupt CUBN protein function with a positive predictive value of 80%. In summary, the available evidence is currently insufficient to determine the role of this variant in disease. Therefore, it has been classified as a Variant of Uncertain Significance.

Fulgent Genetics
Classification: Uncertain significance for Imerslund-Grasbeck syndrome type 1; Proteinuria, chronic benign. Last evaluated: 2024-05-03. Review status: criteria provided, single submitter. Criteria: ACMG Guidelines, 2015. Collection method: clinical testing. Allele origin: germline.

Literature cited by the submitters: PubMed 34610128 (cited by Labcorp Genetics (formerly Invitae), Labcorp).

NM_001081.4(CUBN):c.9555T>G (p.Cys3185Trp)

Gene: CUBN (cubilin; minus strand). Cytogenetic location: 10p13.
Variant type: single nucleotide variant.
Coding change: c.9555T>G on transcript NM_001081.4 (MANE Select); coding-DNA position 9555, T replaced by G.
Protein change: p.Cys3185Trp; replaces cysteine 3185 with tryptophan.
Molecular consequence: missense variant.
Genome position (GRCh38, 1-based): chr10:16,851,343, A>C on the plus strand (T>G on the coding strand, the complement: CUBN is on the minus strand). VCF-style: chr10-16851343-A-C. GRCh37 (hg19) VCF-style: chr10-16893342-A-C.
Other names: short protein forms C3185W.
Identifiers: ClinVar variation 580610 (VCV000580610.11), dbSNP rs746114034, ClinGen allele CA5422668.